The following is an entry in ClinVar:

ClinVar aggregate classification (germline): Uncertain significance. Review status: criteria provided, multiple submitters, no conflicts (2 of 4 stars). 2 submissions from 2 submitters: Uncertain significance (2). Last evaluated 2025-08-24.

Conditions:
RASopathy. Also called: rasopathies; Noonan spectrum disorder. Identifiers: Orphanet 536391, MedGen C5555857, MONDO:0021060.

Submissions (2):

Labcorp Genetics (formerly Invitae), Labcorp
Classification: Uncertain significance for RASopathy. Last evaluated: 2025-08-24. Review status: criteria provided, single submitter. Criteria: Invitae Variant Classification Sherloc (09022015). Collection method: clinical testing. Allele origin: germline.
Comment: This sequence change replaces proline, which is neutral and non-polar, with histidine, which is basic and polar, at codon 608 of the CBL protein (p.Pro608His). This variant is not present in population databases (gnomAD no frequency). This variant has not been reported in the literature in individuals affected with CBL-related conditions. ClinVar contains an entry for this variant (Variation ID: 40414). Invitae Evidence Modeling of protein sequence and biophysical properties (such as structural, functional, and spatial information, amino acid conservation, physicochemical variation, residue mobility, and thermodynamic stability) indicates that this missense variant is not expected to disrupt CBL protein function with a negative predictive value of 95%. In summary, the available evidence is currently insufficient to determine the role of this variant in disease. Therefore, it has been classified as a Variant of Uncertain Significance.

GeneDx
Classification: Uncertain significance. Last evaluated: 2012-10-03. Review status: criteria provided, single submitter. Criteria: GeneDx Variant Classification (06012015). Collection method: clinical testing. Allele origin: germline. Affected: yes.
Comment: This variant is denoted p.Pro608His at the protein level, c.1823C>A at the cDNA level, and results in the replacement of a Proline with a Histidine (CCC>CAC) in exon 11 of the CBL gene (NM_005188.2). The P608H missense substitution has not been published as a mutation, nor has it been reported as a benign polymorphism to our knowledge. P608H is a non-conservative amino acid substitution as a neutral Proline residue with a unique ring structure is replaced with a positively charged Histidine residue at a position that is conserved in mammals. This amino acid substitution occurs in a Proline-rich region of the protein. The NHLBI ESP Exome Variant Server reports P608H was not observed in approximately 6,000 samples from individuals of European and African American backgrounds, indicating it is not a common benign variant in these populations. However, no missense mutations have been reported in the CBL gene beyond codon Arginine 420 (Martinelli et al., 2010). Therefore, the clinical significance of P608H remains unclear. The variant is found in NOONAN panel(s).

NM_005188.4(CBL):c.1823C>A (p.Pro608His)

Gene: CBL (Cbl proto-oncogene; plus strand). Cytogenetic location: 11q23.3.
Variant type: single nucleotide variant.
Coding change: c.1823C>A on transcript NM_005188.4 (MANE Select); coding-DNA position 1823, C replaced by A.
Protein change: p.Pro608His; replaces proline 608 with histidine.
Molecular consequence: missense variant.
Genome position (GRCh38, 1-based): chr11:119,285,448, C>A. VCF-style: chr11-119285448-C-A. GRCh37 (hg19) VCF-style: chr11-119156158-C-A.
Other names: p.P608H:CCC>CAC; short protein forms P608H.
Identifiers: ClinVar variation 40414 (VCV000040414.7), dbSNP rs397507495, ClinGen allele CA282034.
Genomic context (GRCh38, chr11:119,285,448, plus strand): 5'-ACTCATGGCTGCCCCGGCCAATCCCCAAAGTACCAGTATCTGCCCCAAGTTCCAGTGATC[C>A]CTGGACAGGAAGAGAATTAACCAACCGGCACTCACTTCCATTTTCATTGCCCTCACAAAT-3'
Protein context (NP_005179.2, residues 598-618): VPVSAPSSSD[Pro608His]WTGRELTNRH